The following is an entry in ClinVar:

NM_006031.6(PCNT):c.9041C>T (p.Ser3014Phe)

Gene: PCNT (pericentrin; plus strand). Cytogenetic location: 21q22.3.
Variant type: single nucleotide variant.
Coding change: c.9041C>T on transcript NM_006031.6 (MANE Select); coding-DNA position 9041, C replaced by T.
Protein change: p.Ser3014Phe; replaces serine 3014 with phenylalanine.
Molecular consequence: missense variant.
Genome position (GRCh38, 1-based): chr21:46,437,023, C>T. VCF-style: chr21-46437023-C-T. GRCh37 (hg19) VCF-style: chr21-47856936-C-T.
Other names: c.8450C>T, p.Ser2817Phe (NM_001315529.2); short protein forms S2817F, S3014F.
Identifiers: ClinVar variation 2818652 (VCV002818652.3), dbSNP rs756324121, ClinGen allele CA10081181.
Genomic context (GRCh38, chr21:46,437,023, plus strand): 5'-CCATTTATTTTTACAGGACAGTTAATGATTGGACGTCATCCAATGAGAAAGCAGTGATGT[C>T]TTTACTGCACACGTTGGAGGAGCTGAAGTCTGACTTGAGCAGGCCCACCTCCTCCCAGGT-3'
Protein context (NP_006022.3, residues 3004-3024): WTSSNEKAVM[Ser3014Phe]LLHTLEELKS

ClinVar aggregate classification (germline): Uncertain significance (1 of 4 stars; one submission).

Allele frequency attached by ClinVar (database versions not stated): ExAC 0.00001.
gnomAD v4.1: 1 of 1,614,226 alleles (0.000062%); highest among the groups gnomAD compares: Non-Finnish European, 0.000085%; no homozygotes.

Submission:

Labcorp Genetics (formerly Invitae), Labcorp
Classification: Uncertain significance. Last evaluated: 2023-01-23. Review status: criteria provided, single submitter. Criteria: Invitae Variant Classification Sherloc (09022015). Collection method: clinical testing. Allele origin: germline.
Comment: This variant is present in population databases (rs756324121, gnomAD 0.0009%). In summary, the available evidence is currently insufficient to determine the role of this variant in disease. Therefore, it has been classified as a Variant of Uncertain Significance. Algorithms developed to predict the effect of missense changes on protein structure and function are either unavailable or do not agree on the potential impact of this missense change (SIFT: "Deleterious"; PolyPhen-2: "Possibly Damaging"; Align-GVGD: "Class C0"). This variant has not been reported in the literature in individuals affected with PCNT-related conditions. This sequence change replaces serine, which is neutral and polar, with phenylalanine, which is neutral and non-polar, at codon 3014 of the PCNT protein (p.Ser3014Phe).